The following is an entry in ClinVar:

NM_000271.5(NPC1):c.2440G>A (p.Glu814Lys)

Gene: NPC1 (NPC intracellular cholesterol transporter 1; minus strand). Cytogenetic location: 18q11.2.
Variant type: single nucleotide variant.
Coding change: c.2440G>A on transcript NM_000271.5 (MANE Select); coding-DNA position 2440, G replaced by A.
Protein change: p.Glu814Lys; replaces glutamic acid 814 with lysine.
Molecular consequence: missense variant.
Genome position (GRCh38, 1-based): chr18:23,541,142, C>T on the plus strand (G>A on the coding strand, the complement: NPC1 is on the minus strand). VCF-style: chr18-23541142-C-T. GRCh37 (hg19) VCF-style: chr18-21121106-C-T.
Other names: short protein forms E814K.
Identifiers: ClinVar variation 2201939 (VCV002201939.1), dbSNP rs756147692, ClinGen allele CA8913100.

ClinVar aggregate classification (germline): Uncertain significance (1 of 4 stars; one submission).

Conditions:
Niemann-Pick disease, type C1. Also called: NEUROVISCERAL STORAGE DISEASE WITH VERTICAL SUPRANUCLEAR OPHTHALMOPLEGIA; NIEMANN-PICK DISEASE WITH CHOLESTEROL ESTERIFICATION BLOCK; NIEMANN-PICK DISEASE WITHOUT SPHINGOMYELINASE DEFICIENCY; NIEMANN-PICK DISEASE, CHRONIC NEURONOPATHIC FORM; NIEMANN-PICK DISEASE, VARIANT TYPE C1. Identifiers: Orphanet 646, MedGen C3179455, MONDO:0009757, OMIM 257220.

Allele frequency attached by ClinVar (database versions not stated): gnomAD 0.00001; gnomAD exomes 0.00001; ExAC 0.00002; TOPMed 0.00002.
gnomAD v4.1: 17 of 1,614,092 alleles (0.0011%); highest among the groups gnomAD compares: Admixed American, 0.0033%; no homozygotes.

Submission:

Labcorp Genetics (formerly Invitae), Labcorp
Classification: Uncertain significance for Niemann-Pick disease, type C1. Last evaluated: 2022-07-12. Review status: criteria provided, single submitter. Criteria: Invitae Variant Classification Sherloc (09022015). Collection method: clinical testing. Allele origin: germline.
Comment: This sequence change replaces glutamic acid, which is acidic and polar, with lysine, which is basic and polar, at codon 814 of the NPC1 protein (p.Glu814Lys). This variant is present in population databases (rs756147692, gnomAD 0.003%). This variant has not been reported in the literature in individuals affected with NPC1-related conditions. Algorithms developed to predict the effect of missense changes on protein structure and function (SIFT, PolyPhen-2, Align-GVGD) all suggest that this variant is likely to be tolerated. In summary, the available evidence is currently insufficient to determine the role of this variant in disease. Therefore, it has been classified as a Variant of Uncertain Significance.